The following is an entry in ClinVar:

NM_000452.3(SLC10A2):c.835_836insAA (p.Thr279fs)

Gene: SLC10A2 (solute carrier family 10 member 2; minus strand). Cytogenetic location: 13q33.1.
Variant type: Insertion.
Coding change: c.835_836insAA on transcript NM_000452.3 (MANE Select); coding-DNA positions 835 to 836, AA inserted.
Protein change: p.Thr279fs; shifts the reading frame from threonine 279.
Molecular consequence: frameshift variant.
Genome position: GRCh38 VCF-style: chr13-103049372-G-GTT. GRCh37 (hg19) VCF-style: chr13-103701722-G-GTT.
Other names: short protein forms T279fs.
Identifiers: ClinVar variation 2802282 (VCV002802282.3), dbSNP rs2493626918, ClinGen allele CA2623618704.

ClinVar aggregate classification (germline): Uncertain significance (1 of 4 stars; one submission).

Submission:

Labcorp Genetics (formerly Invitae), Labcorp
Classification: Uncertain significance. Last evaluated: 2023-09-12. Review status: criteria provided, single submitter. Criteria: Invitae Variant Classification Sherloc (09022015). Collection method: clinical testing. Allele origin: germline.
Comment: This sequence change creates a premature translational stop signal (p.Thr279Lysfs*28) in the SLC10A2 gene. While this is not anticipated to result in nonsense mediated decay, it is expected to disrupt the last 70 amino acid(s) of the SLC10A2 protein. In summary, the available evidence is currently insufficient to determine the role of this variant in disease. Therefore, it has been classified as a Variant of Uncertain Significance. Experimental studies and prediction algorithms are not available or were not evaluated, and the functional significance of this variant is currently unknown. This variant has not been reported in the literature in individuals affected with SLC10A2-related conditions. This variant is not present in population databases (gnomAD no frequency).